The following is an entry in ClinVar:

NM_007294.4(BRCA1):c.4180A>C (p.Thr1394Pro)

Gene: BRCA1 (BRCA1 DNA repair associated; minus strand). Cytogenetic location: 17q21.31.
Variant type: single nucleotide variant.
Coding change: c.4180A>C on transcript NM_007294.4 (MANE Select); coding-DNA position 4180, A replaced by C.
Protein change: p.Thr1394Pro; replaces threonine 1394 with proline.
Molecular consequence: missense variant. On other transcripts: non-coding transcript variant (1).
Genome position (GRCh38, 1-based): chr17:43,090,949, T>G on the plus strand (A>C on the coding strand, the complement: BRCA1 is on the minus strand). VCF-style: chr17-43090949-T-G. GRCh37 (hg19) VCF-style: chr17-41242966-T-G.
Other names: c.745A>C, p.Thr249Pro (NM_001408446.1, NM_001408447.1, NM_001408448.1 and 6 more transcripts); c.736A>C, p.Thr246Pro (NM_001408451.1); c.730A>C, p.Thr244Pro (NM_001408452.1, NM_001408453.1, NM_001408454.1 and 11 more transcripts); c.727A>C, p.Thr243Pro (NM_001408462.1, NM_001408463.1, NM_001408464.1 and 3 more transcripts); c.871A>C, p.Thr291Pro (NM_001408472.1, NM_007298.4, NM_007299.4 and 18 more transcripts); c.868A>C, p.Thr290Pro (NM_001408473.1, NM_001407972.1, NM_001407984.1 and 13 more transcripts); c.670A>C, p.Thr224Pro (NM_001408474.1, NM_001408476.1); c.667A>C, p.Thr223Pro (NM_001408475.1); and 41 more; short protein forms T1394P, T1347P, T291P, T1098P, T1306P, T1346P, T1367P, T163P.
Identifiers: ClinVar variation 462637 (VCV000462637.11), dbSNP rs1555586062, ClinGen allele CA10593364.

ClinVar aggregate classification (germline): Uncertain significance. Review status: criteria provided, multiple submitters, no conflicts (2 of 4 stars). 2 submissions from 2 submitters: Uncertain significance (2). Last evaluated 2023-11-09.

Conditions:
Hereditary breast ovarian cancer syndrome. Also called: Hereditary breast and ovarian cancer syndrome (HBOC); BRCA1- and BRCA2-Associated Hereditary Breast and Ovarian Cancer; Hereditary breast and/or ovarian cancer syndrome; Hereditary breast and ovarian cancer syndrome; Hereditary breast and ovarian cancer; Breast and ovarian cancer. Identifiers: Orphanet 145, MedGen C0677776, MeSH D061325, MONDO:0003582. Disease mechanism: loss of function.
Breast-ovarian cancer, familial, susceptibility to, 1 (BROVCA1). Also called: BRCA1 Hereditary Breast and Ovarian Cancer; OVARIAN CANCER, SUSCEPTIBILITY TO. Identifiers: Orphanet 145, MedGen C2676676, MONDO:0011450, OMIM 604370. Disease mechanism: loss of function.

Submissions (2):

Baylor Genetics
Classification: Uncertain significance for Breast-ovarian cancer, familial, susceptibility to, 1. Last evaluated: 2023-11-09. Review status: criteria provided, single submitter. Criteria: ACMG Guidelines, 2015. Collection method: clinical testing. Allele origin: unknown.

Labcorp Genetics (formerly Invitae), Labcorp
Classification: Uncertain significance for Hereditary breast ovarian cancer syndrome. Last evaluated: 2017-07-19. Review status: criteria provided, single submitter. Criteria: Invitae Variant Classification Sherloc (09022015). Collection method: clinical testing. Allele origin: germline.
Comment: In summary, the available evidence is currently insufficient to determine the role of this variant in disease. Therefore, it has been classified as a Variant of Uncertain Significance. Algorithms developed to predict the effect of missense changes on protein structure and function (SIFT, PolyPhen-2, Align-GVGD) all suggest that this variant is likely to be disruptive, but these predictions have not been confirmed by published functional studies and their clinical significance is uncertain. This variant has not been reported in the literature in individuals with BRCA1-related disease. This variant is not present in population databases (ExAC no frequency). This sequence change replaces threonine with proline at codon 1394 of the BRCA1 protein (p.Thr1394Pro). The threonine residue is highly conserved and there is a small physicochemical difference between threonine and proline.